The following is an entry in ClinVar:

ClinVar aggregate classification (germline): Pathogenic. Review status: criteria provided, multiple submitters, no conflicts (2 of 4 stars). 3 submissions from 3 submitters: Pathogenic (3). Last evaluated 2026-04-14.

Conditions:
Familial intrahepatic cholestasis. Identifiers: Orphanet 284385, MedGen CN296401, MONDO:0017290.

gnomAD v4.1: 1 of 1,613,516 alleles (0.000062%); no homozygotes.

Submissions (3):

Genomenon, Inc
Classification: Pathogenic for Familial intrahepatic cholestasis. Last evaluated: 2026-04-14. Review status: criteria provided, single submitter. Criteria: Genomenon Sequence Variant Interpretation Standards - Updated. Collection method: curation. Allele origin: germline. Affected: yes.
Comment: ATP8B1 p.Ser1137Ter (c.3410C>G) is a nonsense variant that introduces a premature stop codon at amino acid position 1137, creating a truncated protein that is predicted to undergo nonsense-mediated mRNA decay. This variant has been observed in at least one proband with features of ATP8B1-deficiency (PMID:33666275). It is absent or not present at a significant frequency in gnomAD. In conclusion, we classify ATP8B1 p.Ser1137Ter (c.3410C>G) as a pathogenic variant.

Labcorp Genetics (formerly Invitae), Labcorp
Classification: Pathogenic. Last evaluated: 2024-01-04. Review status: criteria provided, single submitter. Criteria: Invitae Variant Classification Sherloc (09022015). Collection method: clinical testing. Allele origin: germline.
Comment: This sequence change creates a premature translational stop signal (p.Ser1137*) in the ATP8B1 gene. It is expected to result in an absent or disrupted protein product. Loss-of-function variants in ATP8B1 are known to be pathogenic (PMID: 15239083, 22525741). This variant is not present in population databases (gnomAD no frequency). This premature translational stop signal has been observed in individual(s) with progressive familial intrahepatic cholestasis (PMID: 33666275). ClinVar contains an entry for this variant (Variation ID: 288716). For these reasons, this variant has been classified as Pathogenic.

Eurofins Ntd Llc (ga)
Classification: Pathogenic. Last evaluated: 2016-06-09. Review status: criteria provided, single submitter. Criteria: EGL Classification Definitions 2015. Collection method: clinical testing. Allele origin: germline. Observed: 1 variant allele, 1 homozygote.

Literature cited by the submitters: PubMed 33666275 (cited by Genomenon, Inc and Labcorp Genetics (formerly Invitae), Labcorp); PubMed 15239083 (cited by Labcorp Genetics (formerly Invitae), Labcorp); PubMed 22525741 (cited by Labcorp Genetics (formerly Invitae), Labcorp).

NM_001374385.1(ATP8B1):c.3410C>G (p.Ser1137Ter)

Genes: ATP8B1 (ATPase phospholipid transporting 8B1; minus strand), ATP8B1-AS1 (ATP8B1 antisense RNA 1; plus strand). Cytogenetic location: 18q21.31.
Variant type: single nucleotide variant.
Coding change: c.3410C>G on transcript NM_001374385.1 (MANE Select); coding-DNA position 3410, C replaced by G.
Protein change: p.Ser1137Ter; replaces serine 1137 with a stop codon.
Molecular consequence: nonsense.
Genome position (GRCh38, 1-based): chr18:57,650,488, G>C on the plus strand (C>G on the coding strand, the complement: ATP8B1 is on the minus strand). VCF-style: chr18-57650488-G-C. GRCh37 (hg19) VCF-style: chr18-55317720-G-C.
Other names: c.3260C>G, p.Ser1087Ter (NM_001374386.1); c.3410C>G, p.Ser1137Ter (NM_005603.6); short protein forms S1137*, S1087*.
Identifiers: ClinVar variation 288716 (VCV000288716.9), dbSNP rs74414989, ClinGen allele CA10606199.
Genomic context (GRCh38, chr18:57,650,488, plus strand): 5'-AAGCACACAGCAACAGCCAGGATGATAGTTAACCAAATGTATGGCTGTCTCAGAGCGTTT[G>C]AAGCTGTGCCTGTAAAGAACATGGCAAATGCATCACTGTGGTTCTTTTTTCCTAAGAACA-3'